The following is an entry in ClinVar:

ClinVar aggregate classification (germline): Uncertain significance (1 of 4 stars; one submission).

Allele frequency attached by ClinVar (database versions not stated): ExAC 0.00003; gnomAD exomes 0.00006 and 0.00012; TOPMed 0.00007; ESP Exome Variant Server 0.00008; gnomAD 0.00008 and 0.00009.
gnomAD v4.1: 186 of 1,612,422 alleles (0.012%); highest among the groups gnomAD compares: Non-Finnish European, 0.015%; no homozygotes.

Submission:

Labcorp Genetics (formerly Invitae), Labcorp
Classification: Uncertain significance. Last evaluated: 2024-04-05. Review status: criteria provided, single submitter. Criteria: Invitae Variant Classification Sherloc (09022015). Collection method: clinical testing. Allele origin: germline.
Comment: This sequence change replaces alanine, which is neutral and non-polar, with threonine, which is neutral and polar, at codon 510 of the OCA2 protein (p.Ala510Thr). This variant is present in population databases (rs201590781, gnomAD 0.009%). This variant has not been reported in the literature in individuals affected with OCA2-related conditions. ClinVar contains an entry for this variant (Variation ID: 1517744). Advanced modeling of protein sequence and biophysical properties (such as structural, functional, and spatial information, amino acid conservation, physicochemical variation, residue mobility, and thermodynamic stability) performed at Invitae indicates that this missense variant is not expected to disrupt OCA2 protein function with a negative predictive value of 80%. In summary, the available evidence is currently insufficient to determine the role of this variant in disease. Therefore, it has been classified as a Variant of Uncertain Significance.

NM_000275.3(OCA2):c.1528G>A (p.Ala510Thr)

Gene: OCA2 (OCA2 melanosomal transmembrane protein; minus strand). Cytogenetic location: 15q13.1.
Variant type: single nucleotide variant.
Coding change: c.1528G>A on transcript NM_000275.3 (MANE Select); coding-DNA position 1528, G replaced by A.
Protein change: p.Ala510Thr; replaces alanine 510 with threonine.
Molecular consequence: missense variant.
Genome position (GRCh38, 1-based): chr15:27,966,798, C>T on the plus strand (G>A on the coding strand, the complement: OCA2 is on the minus strand). VCF-style: chr15-27966798-C-T. GRCh37 (hg19) VCF-style: chr15-28211944-C-T.
Other names: c.1456G>A, p.Ala486Thr (NM_001300984.2); short protein forms A486T, A510T.
Identifiers: ClinVar variation 1517744 (VCV001517744.6), dbSNP rs201590781, ClinGen allele CA7438999.